The following is an entry in ClinVar:

ClinVar aggregate classification (germline): Uncertain significance (1 of 4 stars; one submission).

Conditions:
Cohen syndrome (COH1). Also called: PEPPER SYNDROME; Cutis verticis gyrata, retinitis pigmentosa, and sensorineural deafness. Identifiers: Orphanet 193, MedGen C0265223, MONDO:0008999, OMIM 216550.

Allele frequency attached by ClinVar (database versions not stated): gnomAD exomes 0.00001; TOPMed 0.00001; ExAC 0.00002.
gnomAD v4.1: 18 of 1,613,662 alleles (0.0011%); highest among the groups gnomAD compares: Non-Finnish European, 0.000085%; no homozygotes.

Submission:

Labcorp Genetics (formerly Invitae), Labcorp
Classification: Uncertain significance for Cohen syndrome. Last evaluated: 2024-12-16. Review status: criteria provided, single submitter. Criteria: Invitae Variant Classification Sherloc (09022015). Collection method: clinical testing. Allele origin: germline.
Comment: This sequence change replaces alanine, which is neutral and non-polar, with glycine, which is neutral and non-polar, at codon 1574 of the VPS13B protein (p.Ala1574Gly). This variant is present in population databases (rs754646345, gnomAD 0.07%). This variant has not been reported in the literature in individuals affected with VPS13B-related conditions. ClinVar contains an entry for this variant (Variation ID: 2151442). Invitae Evidence Modeling of protein sequence and biophysical properties (such as structural, functional, and spatial information, amino acid conservation, physicochemical variation, residue mobility, and thermodynamic stability) indicates that this missense variant is not expected to disrupt VPS13B protein function with a negative predictive value of 80%. In summary, the available evidence is currently insufficient to determine the role of this variant in disease. Therefore, it has been classified as a Variant of Uncertain Significance.

NM_152564.5(VPS13B):c.4646C>G (p.Ala1549Gly)

Gene: VPS13B (vacuolar protein sorting 13 homolog B; plus strand). Cytogenetic location: 8q22.2.
Variant type: single nucleotide variant.
Coding change: c.4646C>G on transcript NM_152564.5 (MANE Select); coding-DNA position 4646, C replaced by G.
Protein change: p.Ala1549Gly; replaces alanine 1549 with glycine.
Molecular consequence: missense variant.
Genome position (GRCh38, 1-based): chr8:99,520,911, C>G. VCF-style: chr8-99520911-C-G. GRCh37 (hg19) VCF-style: chr8-100533139-C-G.
Other names: c.4721C>G, p.Ala1574Gly (NM_017890.5); short protein forms A1549G, A1574G.
Identifiers: ClinVar variation 2151442 (VCV002151442.2), dbSNP rs754646345, ClinGen allele CA4823581.